The following is an entry in ClinVar:

ClinVar aggregate classification (germline): Uncertain significance. Review status: criteria provided, multiple submitters, no conflicts (2 of 4 stars). 2 submissions from 2 submitters: Uncertain significance (2). Last evaluated 2025-11-26.

Conditions:
Inborn genetic diseases. Identifiers: MedGen C0950123, MeSH D030342.
Spastic paraplegia. Identifiers: MedGen C0037772, HP:0001258.

Allele frequency attached by ClinVar (database versions not stated): gnomAD 0.00001; TOPMed 0.00001; ESP Exome Variant Server 0.00008.
gnomAD v4.1: 3 of 1,613,020 alleles (0.00019%); highest among the groups gnomAD compares: Non-Finnish European, 0.00025%; no homozygotes.

Submissions (2):

Ambry Genetics
Classification: Uncertain significance for Inborn genetic diseases. Last evaluated: 2025-11-26. Review status: criteria provided, single submitter. Criteria: Ambry Variant Classification Scheme 2023. Collection method: clinical testing. Allele origin: germline.

Labcorp Genetics (formerly Invitae), Labcorp
Classification: Uncertain significance for Spastic paraplegia. Last evaluated: 2022-11-22. Review status: criteria provided, single submitter. Criteria: Invitae Variant Classification Sherloc (09022015). Collection method: clinical testing. Allele origin: germline.
Comment: Algorithms developed to predict the effect of sequence changes on RNA splicing suggest that this variant may disrupt the consensus splice site. In summary, the available evidence is currently insufficient to determine the role of this variant in disease. Therefore, it has been classified as a Variant of Uncertain Significance. Advanced modeling of protein sequence and biophysical properties (such as structural, functional, and spatial information, amino acid conservation, physicochemical variation, residue mobility, and thermodynamic stability) performed at Invitae indicates that this missense variant is not expected to disrupt FA2H protein function. This variant has not been reported in the literature in individuals affected with FA2H-related conditions. This variant is present in population databases (rs142533482, gnomAD 0.0009%). This sequence change replaces glutamine, which is neutral and polar, with histidine, which is basic and polar, at codon 289 of the FA2H protein (p.Gln289His).

NM_024306.5(FA2H):c.867G>C (p.Gln289His)

Gene: FA2H (fatty acid 2-hydroxylase; minus strand). Cytogenetic location: 16q23.1.
Variant type: single nucleotide variant.
Coding change: c.867G>C on transcript NM_024306.5 (MANE Select); coding-DNA position 867, G replaced by C.
Protein change: p.Gln289His; replaces glutamine 289 with histidine.
Molecular consequence: missense variant.
Genome position (GRCh38, 1-based): chr16:74,716,519, C>G on the plus strand (G>C on the coding strand, the complement: FA2H is on the minus strand). VCF-style: chr16-74716519-C-G. GRCh37 (hg19) VCF-style: chr16-74750417-C-G.
Other names: c.867G>C (NM_024306.4); short protein forms Q289H.
Identifiers: ClinVar variation 2139071 (VCV002139071.3), dbSNP rs142533482, ClinGen allele CA8170362.